The following is an entry in ClinVar:

ClinVar aggregate classification (germline): Uncertain significance. Review status: criteria provided, multiple submitters, no conflicts (2 of 4 stars). 6 submissions from 6 submitters: Uncertain significance (6). Last evaluated 2025-12-26.

Allele frequency attached by ClinVar (database versions not stated): gnomAD exomes 0.00010; ExAC 0.00014; TOPMed 0.00032; gnomAD 0.00036 and 0.00037; ESP Exome Variant Server 0.00054; 1000 Genomes Project 0.00060; 1000 Genomes Project 30x 0.00094.
gnomAD v4.1: 122 of 1,610,500 alleles (0.0076%); highest among the groups gnomAD compares: African/African-American, 0.14%; no homozygotes.

Submissions (6):

Labcorp Genetics (formerly Invitae), Labcorp
Classification: Uncertain significance. Last evaluated: 2025-12-26. Review status: criteria provided, single submitter. Criteria: Invitae Variant Classification Sherloc (09022015). Collection method: clinical testing. Allele origin: germline.
Comment: This sequence change replaces proline, which is neutral and non-polar, with leucine, which is neutral and non-polar, at codon 806 of the WHRN protein (p.Pro806Leu). This variant is present in population databases (rs149897775, gnomAD 0.1%). This missense change has been observed in individual(s) with early-onset hearing loss (PMID: 26969326). This variant is also known as c.1268C>T (p.Pro423Leu). ClinVar contains an entry for this variant (Variation ID: 228562). An algorithm developed to predict the effect of missense changes on protein structure and function (PolyPhen-2) suggests that this variant is likely to be disruptive. In summary, the available evidence is currently insufficient to determine the role of this variant in disease. Therefore, it has been classified as a Variant of Uncertain Significance.

GeneDx
Classification: Uncertain significance. Last evaluated: 2025-08-19. Review status: criteria provided, single submitter. Criteria: GeneDx Variant Classification Process June 2021. Collection method: clinical testing. Allele origin: germline. Affected: yes.
Comment: Observed in published literature in a patient with hearing loss, described as c.1268 C>T, p.P423L using alternate nomenclature (PMID: 26969326); In silico analysis supports that this missense variant has a deleterious effect on protein structure/function; This variant is associated with the following publications: (PMID: 26969326)

Revvity Omics, Revvity
Classification: Uncertain significance. Last evaluated: 2025-05-20. Review status: criteria provided, single submitter. Criteria: ACMG Guidelines, 2015. Collection method: clinical testing. Allele origin: germline.

Blueprint Genetics
Classification: Uncertain significance. Last evaluated: 2024-10-03. Review status: criteria provided, single submitter. Criteria: ACMG Guidelines, 2015. Collection method: clinical testing. Allele origin: germline.

Women's Health and Genetics/Laboratory Corporation of America, LabCorp
Classification: Uncertain significance. Last evaluated: 2024-09-17. Review status: criteria provided, single submitter. Criteria: LabCorp Variant Classification Summary - May 2015. Collection method: clinical testing. Allele origin: germline.
Comment: Variant summary: WHRN c.2417C>T (p.Pro806Leu) results in a non-conservative amino acid change in the encoded protein sequence. Four of five in-silico tools predict a damaging effect of the variant on protein function. Consensus agreement among computation tools predict no significant impact on normal splicing. However, these predictions have yet to be confirmed by functional studies. The variant allele was found at a frequency of 9.6e-05 in 248840 control chromosomes, predominantly at a frequency of 0.0015 within the African or African-American subpopulation in the gnomAD database. This frequency is not significantly higher than estimated for a pathogenic variant in WHRN causing Usher Syndrome (9.6e-05 vs 0.0038), allowing no conclusion about variant significance. c.2417C>T has been reported in the literature in an individual affected with non-syndromic hearing loss (Sloan-Heggen_2016). This report does not provide unequivocal conclusions about association of the variant with Usher Syndrome. To our knowledge, no experimental evidence demonstrating an impact on protein function has been reported. The following publication has been ascertained in the context of this evaluation (PMID: 26969326). ClinVar contains an entry for this variant (Variation ID: 228562). Based on the evidence outlined above, the variant was classified as uncertain significance.

Laboratory for Molecular Medicine, Mass General Brigham Personalized Medicine
Classification: Uncertain significance. Last evaluated: 2015-03-25. Review status: criteria provided, single submitter. Criteria: LMM Criteria. Collection method: clinical testing. Allele origin: germline. Observed: 1 variant allele.
Comment: The p.Pro806Leu variant in DFNB31 has not been previously reported in individual s with hearing loss, but has been identified in 0.16% (17/10380) of African chro mosomes by the Exome Aggregation Consortium (ExAC, g; dbSNP rs149897775). Computational prediction tools and conservation analyses suggest that the p.Pro806Leu variant may impact the protein, though this informa tion is not predictive enough to determine pathogenicity. In summary, the clinic al significance of this variant is uncertain.

Literature cited by the submitters: PubMed 26969326 (cited by Labcorp Genetics (formerly Invitae), Labcorp and Women's Health and Genetics/Laboratory Corporation of America, LabCorp).

NM_015404.4(WHRN):c.2417C>T (p.Pro806Leu)

Gene: WHRN (whirlin; minus strand). Cytogenetic location: 9q32.
Variant type: single nucleotide variant.
Coding change: c.2417C>T on transcript NM_015404.4 (MANE Select); coding-DNA position 2417, C replaced by T.
Protein change: p.Pro806Leu; replaces proline 806 with leucine.
Molecular consequence: missense variant.
Genome position (GRCh38, 1-based): chr9:114,403,897, G>A on the plus strand (C>T on the coding strand, the complement: WHRN is on the minus strand). VCF-style: chr9-114403897-G-A. GRCh37 (hg19) VCF-style: chr9-117166177-G-A.
Other names: c.1268C>T, p.Pro423Leu (NM_001083885.3); c.2414C>T, p.Pro805Leu (NM_001173425.2); c.1364C>T, p.Pro455Leu (NM_001346890.1); short protein forms P806L, P423L, P805L, P455L.
Identifiers: ClinVar variation 228562 (VCV000228562.21), dbSNP rs149897775, ClinGen allele CA5205646.